The following is an entry in ClinVar:

ClinVar aggregate classification (germline): Uncertain significance (1 of 4 stars; one submission).

Conditions:
Combined immunodeficiency due to OX40 deficiency. Also called: OX40 DEFICIENCY; Immunodeficiency 16. Identifiers: Orphanet 431149, MedGen C3810053, MONDO:0014268, OMIM 615593.

gnomAD v4.1: 1 of 1,604,720 alleles (0.000062%); highest among the groups gnomAD compares: Non-Finnish European, 0.000085%; no homozygotes.

Submission:

Labcorp Genetics (formerly Invitae), Labcorp
Classification: Uncertain significance for Combined immunodeficiency due to OX40 deficiency. Last evaluated: 2023-09-10. Review status: criteria provided, single submitter. Criteria: Invitae Variant Classification Sherloc (09022015). Collection method: clinical testing. Allele origin: germline.
Comment: In summary, the available evidence is currently insufficient to determine the role of this variant in disease. Therefore, it has been classified as a Variant of Uncertain Significance. Advanced modeling of protein sequence and biophysical properties (such as structural, functional, and spatial information, amino acid conservation, physicochemical variation, residue mobility, and thermodynamic stability) performed at Invitae indicates that this missense variant is expected to disrupt TNFRSF4 protein function. This variant has not been reported in the literature in individuals affected with TNFRSF4-related conditions. This variant is not present in population databases (gnomAD no frequency). This sequence change replaces cysteine, which is neutral and slightly polar, with serine, which is neutral and polar, at codon 43 of the TNFRSF4 protein (p.Cys43Ser).

NM_003327.4(TNFRSF4):c.128G>C (p.Cys43Ser)

Gene: TNFRSF4 (TNF receptor superfamily member 4; minus strand). Cytogenetic location: 1p36.33.
Variant type: single nucleotide variant.
Coding change: c.128G>C on transcript NM_003327.4 (MANE Select); coding-DNA position 128, G replaced by C.
Protein change: p.Cys43Ser; replaces cysteine 43 with serine.
Molecular consequence: missense variant.
Genome position (GRCh38, 1-based): chr1:1,214,000, C>G on the plus strand (G>C on the coding strand, the complement: TNFRSF4 is on the minus strand). VCF-style: chr1-1214000-C-G. GRCh37 (hg19) VCF-style: chr1-1149380-C-G.
Other names: c.128G>C, p.Cys43Ser (NM_001410709.1); short protein forms C43S.
Identifiers: ClinVar variation 2759765 (VCV002759765.3), dbSNP rs2521781258, ClinGen allele CA337802592.